The following is an entry in ClinVar:

ClinVar aggregate classification (germline): Pathogenic (1 of 4 stars; one submission).

Submission:

Quest Diagnostics Nichols Institute San Juan Capistrano
Classification: Pathogenic. Last evaluated: 2021-09-13. Review status: criteria provided, single submitter. Criteria: ACMG/ClinGen CNV Guidelines, 2019. Collection method: clinical testing. Allele origin: unknown.
Comment: The copy number loss of Xp22.31 involves multiple protein-coding genes, including STS (OMIM 300747) and ANOS1 (OMIM 300836), and is expected to cause phenotypic and/or developmental abnormalities. Haploinsufficiency of STS due to loss-of-function sequence variants and whole/partial gene deletions is associated with X-linked ichthyosis due to steroid sulfatase deficiency (OMIM 308100), a severe skin disorder most often seen in males and characterized by widespread hyperkeratosis and generalized dryness (Hand 2015). Female carriers may have some clinical manifestations, such as corneal opacities, mild skin findings, and behavioral abnormalities (Brcic 2020, Cavenagh 2019, Costagliola 1991). Additionally, haploinsufficiency of ANOS1 (KAL1) causes X-linked hypogonadotropic hypogonadism-1 with or without anosmia (OMIM 308700; also known as Kallmann syndrome-1). Males with Kallmann syndrome show anosmia due to agenesis of the olfactory lobes, and hypogonadism secondary to deficiency of hypothalamic gonadotropin-releasing hormone. Female carriers are typically unaffected but may have partial or complete anosmia. There are multiple reports of patients with contiguous deletions of STS and ANOS1 presenting with both X-linked Kallmann syndrome and ichthyosis (Ma 2020, Berges-Raso 2017, Trevisson 2015, Xu 2015). References: Berges-Raso et al., Endocrinol Diabetes Metab Case Rep. 2017 Sep 28;2017:EDM170083. PMID: 30352392. Brcic et al., J Med Genet. 2020 Oct;57(10):692-698. PMID: 32139392. Cavenagh et al., PLoS One. 2019 Feb 15;14(2):e0212330. PMID: 30768640. Costagliola et al., Ophthalmologica. 1991;202(3):152-5. PMID: 1923309. Hand et al., J Am Acad Dermatol. 2015 Apr;72(4):617-27. PMID: 25659225. Ma et al., Front Genet. 2020 Jun 24;11:596. PMID: 32670353. Trevisson et al., J Dermatol Sci. 2015 May;78(2):158-60. PMID: 25726327 Xu et al., Andrologia. 2015 Dec;47(10):1160-5. PMID: 25597551.

GRCh37/hg19 Xp22.31(chrX:6658781-8760719)x1

Genes: ANOS1 (anosmin 1; minus strand), FAM9A (family with sequence similarity 9 member A; minus strand), PNPLA4 (patatin like phospholipase domain containing 4; minus strand), PUDP (pseudouridine 5'-phosphatase; minus strand), STS (steroid sulfatase; plus strand) and 3 more. Cytogenetic location: Xp22.31.
Variant type: copy number loss.
Change: copy number 1 of chrX:6,658,781-8,760,719 (2.10 Mb, GRCh37 coordinates, 1-based), cytogenetic band Xp22.31.
Identifiers: ClinVar variation 1807764 (VCV001807764.1).